The following is an entry in ClinVar:

NM_006282.5(STK4):c.129C>T (p.Ser43=)

Gene: STK4 (serine/threonine kinase 4; plus strand). Cytogenetic location: 20q13.12.
Variant type: single nucleotide variant.
Coding change: c.129C>T on transcript NM_006282.5 (MANE Select); coding-DNA position 129, C replaced by T.
Protein change: p.Ser43=; no amino-acid change (serine 43 retained).
Molecular consequence: synonymous variant.
Genome position (GRCh38, 1-based): chr20:44,978,455, C>T. VCF-style: chr20-44978455-C-T. GRCh37 (hg19) VCF-style: chr20-43607096-C-T.
Other names: c.129C>T, p.Ser43= (NM_001352385.2).
Identifiers: ClinVar variation 743576 (VCV000743576.10), dbSNP rs150111569, ClinGen allele CA9873737.

ClinVar aggregate classification (germline): Likely benign. Review status: criteria provided, multiple submitters, no conflicts (2 of 4 stars). 3 submissions from 3 submitters: Likely benign (2). 1 of the submissions does not count toward it. Last evaluated 2025-02-18.

Conditions:
Combined immunodeficiency due to STK4 deficiency (IMD110). Also called: STK4 DEFICIENCY; MST1 DEFICIENCY; T-cell immunodeficiency, recurrent infections, and autoimmunity with or without cardiac malformations. Identifiers: Orphanet 314689, MedGen C3553943, MONDO:0013934, OMIM 614868.
STK4-related disorder. Also called: STK4-related condition.

Allele frequency attached by ClinVar (database versions not stated): gnomAD exomes 0.00001 and 0.00004; TOPMed 0.00005; ExAC 0.00007; ESP Exome Variant Server 0.00008.
gnomAD v4.1: 27 of 1,613,404 alleles (0.0017%); highest among the groups gnomAD compares: South Asian, 0.0044%; no homozygotes.

Submissions (3):

Labcorp Genetics (formerly Invitae), Labcorp
Classification: Likely benign for Combined immunodeficiency due to STK4 deficiency. Last evaluated: 2025-02-18. Review status: criteria provided, single submitter. Criteria: Invitae Variant Classification Sherloc (09022015). Collection method: clinical testing. Allele origin: germline.

Blueprint Genetics
Classification: Likely benign. Last evaluated: 2023-06-15. Review status: criteria provided, single submitter. Criteria: ACMG Guidelines, 2015. Collection method: clinical testing. Allele origin: germline.

PreventionGenetics, part of Exact Sciences
Classification: Likely benign for STK4-related condition. Last evaluated: 2023-11-22. Review status: no assertion criteria provided. Collection method: clinical testing. Allele origin: germline. Not counted in ClinVar's aggregate classification.
Comment: This variant is classified as likely benign based on ACMG/AMP sequence variant interpretation guidelines (Richards et al. 2015 PMID: 25741868, with internal and published modifications).